The following is an entry in ClinVar:

ClinVar aggregate classification (germline): Uncertain significance (1 of 4 stars; one submission).

Conditions:
Cardiovascular phenotype. Identifiers: MedGen CN230736.
Hereditary cancer-predisposing syndrome. Also called: Hereditary neoplastic syndrome; Neoplastic Syndromes, Hereditary; Tumor predisposition; Hereditary Cancer Syndrome. Identifiers: Orphanet 140162, MedGen C0027672, MeSH D009386, MONDO:0015356.

gnomAD v4.1: 1 of 1,613,800 alleles (0.000062%); highest among the groups gnomAD compares: Non-Finnish European, 0.000085%; no homozygotes.

Submission:

Ambry Genetics
Classification: Uncertain significance for Cardiovascular phenotype; Hereditary cancer-predisposing syndrome. Last evaluated: 2025-08-12. Review status: criteria provided, single submitter. Criteria: Ambry Variant Classification Scheme 2023. Collection method: clinical testing. Allele origin: germline.
Comment: The p.F738L variant (also known as c.2214C>A), located in coding exon 18 of the NF1 gene, results from a C to A substitution at nucleotide position 2214. The phenylalanine at codon 738 is replaced by leucine, an amino acid with highly similar properties. This amino acid position is conserved. In addition, the in silico prediction for this alteration is inconclusive. Based on the available evidence, the clinical significance of this variant remains unclear.

NM_001042492.3(NF1):c.2214C>A (p.Phe738Leu)

Gene: NF1 (neurofibromin 1; plus strand). Cytogenetic location: 17q11.2.
Variant type: single nucleotide variant.
Coding change: c.2214C>A on transcript NM_001042492.3 (MANE Select); coding-DNA position 2214, C replaced by A.
Protein change: p.Phe738Leu; replaces phenylalanine 738 with leucine.
Molecular consequence: missense variant.
Genome position (GRCh38, 1-based): chr17:31,226,647, C>A. VCF-style: chr17-31226647-C-A. GRCh37 (hg19) VCF-style: chr17-29553665-C-A.
Other names: c.2214C>A, p.Phe738Leu (NM_000267.4); short protein forms F738L.
Identifiers: ClinVar variation 4119140 (VCV004119140.1).
Genomic context (GRCh38, chr17:31,226,647, plus strand): 5'-TATCCGGTGTGGGGTGGATGAAGTGTCAGTGCATAACCTCTTGCCCAACTATAACACATT[C>A]ATGGAGTTTGCCTCTGTCAGCAATATGATGTCAACAGGTAAATGTGAATAGTGGTTTTTT-3'
Protein context (NP_001035957.1, residues 728-748): VHNLLPNYNT[Phe738Leu]MEFASVSNMM